The following is an entry in ClinVar:

NM_001853.4(COL9A3):c.326C>A (p.Pro109Gln)

Gene: COL9A3 (collagen type IX alpha 3 chain; plus strand). Cytogenetic location: 20q13.33.
Variant type: single nucleotide variant.
Coding change: c.326C>A on transcript NM_001853.4 (MANE Select); coding-DNA position 326, C replaced by A.
Protein change: p.Pro109Gln; replaces proline 109 with glutamine.
Molecular consequence: missense variant.
Genome position (GRCh38, 1-based): chr20:62,821,197, C>A. VCF-style: chr20-62821197-C-A. GRCh37 (hg19) VCF-style: chr20-61452549-C-A.
Other names: short protein forms P109Q.
Identifiers: ClinVar variation 1492033 (VCV001492033.6), dbSNP rs367778234, ClinGen allele CA409588022.

ClinVar aggregate classification (germline): Uncertain significance (1 of 4 stars; one submission).

Submission:

Labcorp Genetics (formerly Invitae), Labcorp
Classification: Uncertain significance. Last evaluated: 2022-06-28. Review status: criteria provided, single submitter. Criteria: Invitae Variant Classification Sherloc (09022015). Collection method: clinical testing. Allele origin: germline.
Comment: In summary, the available evidence is currently insufficient to determine the role of this variant in disease. Therefore, it has been classified as a Variant of Uncertain Significance. Advanced modeling of protein sequence and biophysical properties (such as structural, functional, and spatial information, amino acid conservation, physicochemical variation, residue mobility, and thermodynamic stability) performed at Invitae indicates that this missense variant is not expected to disrupt COL9A3 protein function. This variant has not been reported in the literature in individuals affected with COL9A3-related conditions. This variant is not present in population databases (gnomAD no frequency). This sequence change replaces proline, which is neutral and non-polar, with glutamine, which is neutral and polar, at codon 109 of the COL9A3 protein (p.Pro109Gln).